The following is an entry in ClinVar:

NM_001278512.2(AP3B2):c.1691T>C (p.Leu564Pro)

Genes: AP3B2 (adaptor related protein complex 3 subunit beta 2; minus strand), CPEB1-AS1 (CPEB1 antisense RNA 1; plus strand). Cytogenetic location: 15q25.2.
Variant type: single nucleotide variant.
Coding change: c.1691T>C on transcript NM_001278512.2 (MANE Select); coding-DNA position 1691, T replaced by C.
Protein change: p.Leu564Pro; replaces leucine 564 with proline.
Molecular consequence: missense variant.
Genome position (GRCh38, 1-based): chr15:82,666,908, A>G on the plus strand (T>C on the coding strand, the complement: AP3B2 is on the minus strand). VCF-style: chr15-82666908-A-G. GRCh37 (hg19) VCF-style: chr15-83335660-A-G.
Other names: c.1595T>C, p.Leu532Pro (NM_001278511.2); c.1691T>C, p.Leu564Pro (NM_004644.5); short protein forms L532P, L564P.
Identifiers: ClinVar variation 1515428 (VCV001515428.6), dbSNP rs1596170454, ClinGen allele CA393314185.

ClinVar aggregate classification (germline): Uncertain significance (1 of 4 stars; one submission).

Allele frequency attached by ClinVar (database versions not stated): TOPMed below 0.00001.

Submission:

Labcorp Genetics (formerly Invitae), Labcorp
Classification: Uncertain significance. Last evaluated: 2024-08-13. Review status: criteria provided, single submitter. Criteria: Invitae Variant Classification Sherloc (09022015). Collection method: clinical testing. Allele origin: germline.
Comment: This sequence change replaces leucine, which is neutral and non-polar, with proline, which is neutral and non-polar, at codon 564 of the AP3B2 protein (p.Leu564Pro). This variant is not present in population databases (gnomAD no frequency). This variant has not been reported in the literature in individuals affected with AP3B2-related conditions. ClinVar contains an entry for this variant (Variation ID: 1515428). An algorithm developed to predict the effect of missense changes on protein structure and function (PolyPhen-2) suggests that this variant is likely to be disruptive. In summary, the available evidence is currently insufficient to determine the role of this variant in disease. Therefore, it has been classified as a Variant of Uncertain Significance.